The following is an entry in ClinVar:

NM_000264.5(PTCH1):c.2987C>T (p.Thr996Ile)

Gene: PTCH1 (patched 1; minus strand). Cytogenetic location: 9q22.32.
Variant type: single nucleotide variant.
Coding change: c.2987C>T on transcript NM_000264.5 (MANE Select); coding-DNA position 2987, C replaced by T.
Protein change: p.Thr996Ile; replaces threonine 996 with isoleucine.
Molecular consequence: missense variant. On other transcripts: non-coding transcript variant (1).
Genome position (GRCh38, 1-based): chr9:95,458,194, G>A on the plus strand (C>T on the coding strand, the complement: PTCH1 is on the minus strand). VCF-style: chr9-95458194-G-A. GRCh37 (hg19) VCF-style: chr9-98220476-G-A.
Other names: c.2789C>T, p.Thr930Ile (NM_001083602.3); c.2984C>T, p.Thr995Ile (NM_001083603.3); c.2534C>T, p.Thr845Ile (NM_001083604.3, NM_001083605.3, NM_001083606.3 and 1 more transcripts); c.2831C>T, p.Thr944Ile (NM_001354918.2); short protein forms T845I, T930I, T995I, T944I, T996I.
Identifiers: ClinVar variation 1798457 (VCV001798457.5), dbSNP rs1839125790, ClinGen allele CA374112633.

ClinVar aggregate classification (germline): Uncertain significance. Review status: criteria provided, multiple submitters, no conflicts (2 of 4 stars). 2 submissions from 2 submitters: Uncertain significance (2). Last evaluated 2025-07-10.

Conditions:
Hereditary cancer-predisposing syndrome. Also called: Neoplastic Syndromes, Hereditary; Tumor predisposition; Hereditary neoplastic syndrome; Hereditary Cancer Syndrome. Identifiers: Orphanet 140162, MedGen C0027672, MeSH D009386, MONDO:0015356.
Gorlin syndrome. Also called: Basal cell nevus syndrome; Nevoid Basal Cell Carcinoma Syndrome. Identifiers: Orphanet 377, MedGen C0004779, MONDO:0007187.

gnomAD v4.1: 1 of 1,614,148 alleles (0.000062%); highest among the groups gnomAD compares: Non-Finnish European, 0.000085%; no homozygotes.

Submissions (2):

Ambry Genetics
Classification: Uncertain significance for Hereditary cancer-predisposing syndrome. Last evaluated: 2025-07-10. Review status: criteria provided, single submitter. Criteria: Ambry Variant Classification Scheme 2023. Collection method: clinical testing. Allele origin: germline.
Comment: The p.T996I variant (also known as c.2987C>T), located in coding exon 18 of the PTCH1 gene, results from a C to T substitution at nucleotide position 2987. The threonine at codon 996 is replaced by isoleucine, an amino acid with similar properties. This amino acid position is not well conserved in available vertebrate species. In addition, this alteration is predicted to be tolerated by in silico analysis. Based on the available evidence, the clinical significance of this variant remains unclear.

Labcorp Genetics (formerly Invitae), Labcorp
Classification: Uncertain significance for Gorlin syndrome. Last evaluated: 2024-06-06. Review status: criteria provided, single submitter. Criteria: Invitae Variant Classification Sherloc (09022015). Collection method: clinical testing. Allele origin: germline.
Comment: This sequence change replaces threonine, which is neutral and polar, with isoleucine, which is neutral and non-polar, at codon 996 of the PTCH1 protein (p.Thr996Ile). This variant is not present in population databases (gnomAD no frequency). This variant has not been reported in the literature in individuals affected with PTCH1-related conditions. ClinVar contains an entry for this variant (Variation ID: 1798457). Advanced modeling of protein sequence and biophysical properties (such as structural, functional, and spatial information, amino acid conservation, physicochemical variation, residue mobility, and thermodynamic stability) performed at Invitae indicates that this missense variant is not expected to disrupt PTCH1 protein function with a negative predictive value of 95%. In summary, the available evidence is currently insufficient to determine the role of this variant in disease. Therefore, it has been classified as a Variant of Uncertain Significance.